The following is an entry in ClinVar:

NM_000051.4(ATM):c.8689G>A (p.Gly2897Ser)

Genes: ATM (ATM serine/threonine kinase; plus strand), C11orf65 (chromosome 11 open reading frame 65; minus strand). Cytogenetic location: 11q22.3.
Variant type: single nucleotide variant.
Coding change: c.8689G>A on transcript NM_000051.4 (MANE Select); coding-DNA position 8689, G replaced by A.
Protein change: p.Gly2897Ser; replaces glycine 2897 with serine.
Molecular consequence: missense variant. On other transcripts: intron variant (2).
Genome position (GRCh38, 1-based): chr11:108,353,783, G>A. VCF-style: chr11-108353783-G-A. GRCh37 (hg19) VCF-style: chr11-108224510-G-A.
Other names: c.8689G>A, p.Gly2897Ser (NM_001351834.2); c.640+32137C>T (NM_001330368.2); c.695-18491C>T (NM_001351110.2); short protein forms G2897S.
Identifiers: ClinVar variation 853188 (VCV000853188.48), dbSNP rs2089494758, ClinGen allele CA382523616.

ClinVar aggregate classification (germline): Uncertain significance (1 of 4 stars; one submission).

Conditions:
Ataxia-telangiectasia syndrome (AT). Also called: ATAXIA-TELANGIECTASIA, COMPLEMENTATION GROUP A; ATAXIA-TELANGIECTASIA, FRESNO VARIANT; Ataxia-telangiectasia; Ataxia-telangiectasia, complementation group D; AT, COMPLEMENTATION GROUP C; Ataxia-telangiectasia, complementation group E. Identifiers: Orphanet 100, MedGen C0004135, MONDO:0008840, OMIM 208900.

Submission:

Labcorp Genetics (formerly Invitae), Labcorp
Classification: Uncertain significance for Ataxia-telangiectasia syndrome. Last evaluated: 2019-12-31. Review status: criteria provided, single submitter. Criteria: Invitae Variant Classification Sherloc (09022015). Collection method: clinical testing. Allele origin: germline.
Comment: In summary, the available evidence is currently insufficient to determine the role of this variant in disease. Therefore, it has been classified as a Variant of Uncertain Significance. Algorithms developed to predict the effect of missense changes on protein structure and function (SIFT, PolyPhen-2, Align-GVGD) all suggest that this variant is likely to be disruptive, but these predictions have not been confirmed by published functional studies and their clinical significance is uncertain. This variant has not been reported in the literature in individuals with ATM-related conditions. This variant is not present in population databases (ExAC no frequency). This sequence change replaces glycine with serine at codon 2897 of the ATM protein (p.Gly2897Ser). The glycine residue is highly conserved and there is a small physicochemical difference between glycine and serine.